The following is an entry in ClinVar:

NM_006060.6(IKZF1):c.786C>T (p.Leu262=)

Gene: IKZF1 (IKAROS family zinc finger 1; plus strand). Cytogenetic location: 7p12.2.
Variant type: single nucleotide variant.
Coding change: c.786C>T on transcript NM_006060.6 (MANE Select); coding-DNA position 786, C replaced by T.
Protein change: p.Leu262=; no amino-acid change (leucine 262 retained).
Molecular consequence: synonymous variant. On other transcripts: intron variant (3).
Genome position (GRCh38, 1-based): chr7:50,391,799, C>T. VCF-style: chr7-50391799-C-T. GRCh37 (hg19) VCF-style: chr7-50459497-C-T.
Other names: c.660C>T, p.Leu220= (NM_001220765.3, NM_001291837.2); c.525C>T, p.Leu175= (NM_001220767.2, NM_001291838.2); c.399C>T, p.Leu133= (NM_001220770.2, NM_001291839.2); c.357C>T, p.Leu119= (NM_001291841.1, NM_001291842.1); c.231C>T, p.Leu77= (NM_001291843.1, NM_001291844.1); c.846C>T, p.Leu282= (NM_001410879.1); c.590-8119C>T (NM_001220768.2); c.422-8119C>T (NM_001220771.2); and 1 more.
Identifiers: ClinVar variation 2870942 (VCV002870942.4), dbSNP rs150385329, ClinGen allele CA4261393.

ClinVar aggregate classification (germline): Conflicting classifications of pathogenicity. Review status: criteria provided, conflicting classifications (1 of 4 stars). 2 submissions from 2 submitters: Uncertain significance (1); Likely benign (1). Last evaluated 2025-02-16.

Allele frequency attached by ClinVar (database versions not stated): gnomAD 0.00002; 1000 Genomes Project 30x 0.00016; 1000 Genomes Project 0.00020.
gnomAD v4.1: 29 of 1,613,982 alleles (0.0018%); highest among the groups gnomAD compares: East Asian, 0.0022%; no homozygotes.

Submissions (2):

Laboratory of Genetics, Children's Clinical University Hospital Latvia
Classification: Likely benign. Last evaluated: 2025-02-16. Review status: criteria provided, single submitter. Criteria: ACMG Guidelines, 2015. Collection method: clinical testing. Allele origin: germline. Affected: yes.

Labcorp Genetics (formerly Invitae), Labcorp
Classification: Uncertain significance. Last evaluated: 2023-10-13. Review status: criteria provided, single submitter. Criteria: Invitae Variant Classification Sherloc (09022015). Collection method: clinical testing. Allele origin: germline.
Comment: This sequence change affects codon 262 of the IKZF1 mRNA. It is a 'silent' change, meaning that it does not change the encoded amino acid sequence of the IKZF1 protein. This variant is present in population databases (rs150385329, gnomAD 0.008%). This variant has not been reported in the literature in individuals affected with IKZF1-related conditions. Experimental studies and prediction algorithms are not available or were not evaluated, and the effect of this variant on mRNA splicing is currently unknown. In summary, the available evidence is currently insufficient to determine the role of this variant in disease. Therefore, it has been classified as a Variant of Uncertain Significance.